The following is an entry in ClinVar:

ClinVar aggregate classification (germline): Uncertain significance (1 of 4 stars; one submission).

Conditions:
Hereditary cancer-predisposing syndrome. Also called: Neoplastic Syndromes, Hereditary; Tumor predisposition; Hereditary neoplastic syndrome; Hereditary Cancer Syndrome. Identifiers: Orphanet 140162, MedGen C0027672, MeSH D009386, MONDO:0015356.

Submission:

Ambry Genetics
Classification: Uncertain significance for Hereditary cancer-predisposing syndrome. Last evaluated: 2025-04-05. Review status: criteria provided, single submitter. Criteria: Ambry Variant Classification Scheme 2023. Collection method: clinical testing. Allele origin: germline.
Comment: The p.D285E variant (also known as c.855T>G), located in coding exon 5 of the MEN1 gene, results from a T to G substitution at nucleotide position 855. The aspartic acid at codon 285 is replaced by glutamic acid, an amino acid with highly similar properties. This amino acid position is conserved. In addition, the in silico prediction for this alteration is inconclusive. Based on the available evidence, the clinical significance of this variant remains unclear.

NM_001370259.2(MEN1):c.855T>G (p.Asp285Glu)

Gene: MEN1 (menin 1; minus strand). Cytogenetic location: 11q13.1.
Variant type: single nucleotide variant.
Coding change: c.855T>G on transcript NM_001370259.2 (MANE Select); coding-DNA position 855, T replaced by G.
Protein change: p.Asp285Glu; replaces aspartic acid 285 with glutamic acid.
Molecular consequence: missense variant. On other transcripts: non-coding transcript variant (4).
Genome position (GRCh38, 1-based): chr11:64,807,068, A>C on the plus strand (T>G on the coding strand, the complement: MEN1 is on the minus strand). VCF-style: chr11-64807068-A-C. GRCh37 (hg19) VCF-style: chr11-64574540-A-C.
Other names: c.750T>G, p.Asp250Glu (NM_001407151.1, NM_001407148.1, NM_001407149.1 and 2 more transcripts); c.855T>G, p.Asp285Glu (NM_001407152.1, NM_130799.3, NM_001407142.1 and 7 more transcripts); c.870T>G, p.Asp290Glu (NM_130800.3, NM_130801.3, NM_130802.3 and 5 more transcripts); short protein forms D290E, D250E, D285E.
Identifiers: ClinVar variation 4053795 (VCV004053795.1).